The following is an entry in ClinVar:

ClinVar aggregate classification (germline): Benign. Review status: criteria provided, multiple submitters, no conflicts (2 of 4 stars). 6 submissions from 5 submitters: Benign (6). Last evaluated 2026-02-03.

Conditions:
Leukodystrophy, hypomyelinating, 6. Also called: LEUKODYSTROPHY, HYPOMYELINATING, WITH ATROPHY OF THE BASAL GANGLIA AND CEREBELLUM; TUBB4A-Associated Leukodystrophy; Hypomyelination with Atrophy of Basal Ganglia and Cerebellum (H-ABC). Identifiers: Orphanet 139441, MedGen C2676244, MONDO:0012905, OMIM 612438.
Torsion dystonia 4. Also called: DYT-TUBB4A (Autosomal Dominant Torsion Dystonia); DYSTONIA MUSCULORUM DEFORMANS 4. Identifiers: Orphanet 98805, MedGen C1851943, MONDO:0007493, OMIM 128101.

Allele frequency attached by ClinVar (database versions not stated): 1000 Genomes Project 0.00459; 1000 Genomes Project 30x 0.00484; TOPMed 0.01546; ExAC 0.01777; ESP Exome Variant Server 0.01945; gnomAD 0.02245.
gnomAD v4.1: 35,381 of 1,613,922 alleles (2.2%); highest among the groups gnomAD compares: Non-Finnish European, 2.5%; 437 homozygotes.

Submissions (6):

Labcorp Genetics (formerly Invitae), Labcorp
Classification: Benign for Leukodystrophy, hypomyelinating, 6. Last evaluated: 2026-02-03. Review status: criteria provided, single submitter. Criteria: Invitae Variant Classification Sherloc (09022015). Collection method: clinical testing. Allele origin: germline.

Mayo Clinic Laboratories, Mayo Clinic
Classification: Benign. Last evaluated: 2023-02-24. Review status: criteria provided, single submitter. Criteria: ACMG Guidelines, 2015. Collection method: clinical testing. Allele origin: germline. Observed: 19 variant alleles.
Comment: BS1, BS2, BP4, BP7

Illumina Laboratory Services, Illumina
Classification: Benign for Leukodystrophy, hypomyelinating, 6. Last evaluated: 2018-01-12. Review status: criteria provided, single submitter. Criteria: ICSL Variant Classification Criteria 13 December 2019. Collection method: clinical testing. Allele origin: germline.
Comment: This variant was observed in the ICSL laboratory as part of a predisposition screen in an ostensibly healthy population. It had not been previously curated by ICSL or reported in the Human Gene Mutation Database (HGMD: prior to June 1st, 2018), and was therefore a candidate for classification through an automated scoring system. Utilizing variant allele frequency, disease prevalence and penetrance estimates, and inheritance mode, an automated score was calculated to assess if this variant is too frequent to cause the disease. Based on the score and internal cut-off values, a variant classified as benign is not then subjected to further curation. The score for this variant resulted in a classification of benign for this disease.

Illumina Laboratory Services, Illumina
Classification: Benign for Torsion dystonia 4. Last evaluated: 2018-01-12. Review status: criteria provided, single submitter. Criteria: ICSL Variant Classification Criteria 13 December 2019. Collection method: clinical testing. Allele origin: germline.
Comment: the same text as in the submission from Illumina Laboratory Services, Illumina above.

GeneDx
Classification: Benign. Last evaluated: 2016-03-31. Review status: criteria provided, single submitter. Criteria: GeneDx Variant Classification (06012015). Collection method: clinical testing. Allele origin: germline. Affected: yes.
Comment: This variant is considered likely benign or benign based on one or more of the following criteria: it is a conservative change, it occurs at a poorly conserved position in the protein, it is predicted to be benign by multiple in silico algorithms, and/or has population frequency not consistent with disease.

Breakthrough Genomics
Classification: Benign. Review status: criteria provided, single submitter. Criteria: ACMG Guidelines, 2015. Collection method: not provided. Allele origin: germline. Inheritance: Autosomal dominant inheritance. Affected: yes.

NM_006087.4(TUBB4A):c.1287G>A (p.Thr429=)

Gene: TUBB4A (tubulin beta 4A class IVa; minus strand). Cytogenetic location: 19p13.3.
Variant type: single nucleotide variant.
Coding change: c.1287G>A on transcript NM_006087.4 (MANE Select); coding-DNA position 1287, G replaced by A.
Protein change: p.Thr429=; no amino-acid change (threonine 429 retained).
Molecular consequence: synonymous variant.
Genome position (GRCh38, 1-based): chr19:6,495,212, C>T on the plus strand (G>A on the coding strand, the complement: TUBB4A is on the minus strand). VCF-style: chr19-6495212-C-T. GRCh37 (hg19) VCF-style: chr19-6495223-C-T.
Other names: p.Thr429=; c.1440G>A, p.Thr480= (NM_001289123.2); c.1422G>A, p.Thr474= (NM_001289127.2); c.1287G>A, p.Thr429= (NM_001289129.2); c.1071G>A, p.Thr357= (NM_001289130.2, NM_001289131.2).
Identifiers: ClinVar variation 330260 (VCV000330260.16), dbSNP rs61731566, ClinGen allele CA9127244.